The following is an entry in ClinVar:

NM_001387777.1(TNS1):c.2934G>A (p.Ala978=)

Gene: TNS1 (tensin 1; minus strand). Cytogenetic location: 2q35.
Variant type: single nucleotide variant.
Coding change: c.2934G>A on transcript NM_001387777.1 (MANE Select); coding-DNA position 2934, G replaced by A.
Protein change: p.Ala978=; no amino-acid change (alanine 978 retained).
Molecular consequence: synonymous variant.
Genome position (GRCh38, 1-based): chr2:217,847,583, C>T on the plus strand (G>A on the coding strand, the complement: TNS1 is on the minus strand). VCF-style: chr2-217847583-C-T. GRCh37 (hg19) VCF-style: chr2-218712306-C-T.
Other names: c.2559G>A, p.Ala853= (NM_001308022.2, NM_001308023.2, NM_022648.7).
Identifiers: ClinVar variation 3061029 (VCV003061029.2), dbSNP rs1004814, ClinGen allele CA2100119.

ClinVar aggregate classification (germline): Benign (0 of 4 stars; one submission).

Conditions:
TNS1-related disorder. Also called: TNS1-related condition.

Allele frequency attached by ClinVar (database versions not stated): gnomAD exomes 0.32886; ExAC 0.35300; ESP Exome Variant Server 0.39736; gnomAD 0.40006; TOPMed 0.40059; 1000 Genomes Project 0.43450; 1000 Genomes Project 30x 0.43801.
gnomAD v4.1: 506,210 of 1,501,626 alleles (34%); highest among the groups gnomAD compares: African/African-American, 59%; 89,405 homozygotes.

Submission:

PreventionGenetics, part of Exact Sciences
Classification: Benign for TNS1-related condition. Last evaluated: 2019-10-28. Review status: no assertion criteria provided. Collection method: clinical testing. Allele origin: germline.
Comment: This variant is classified as benign based on ACMG/AMP sequence variant interpretation guidelines (Richards et al. 2015 PMID: 25741868, with internal and published modifications).